The following is an entry in ClinVar:

ClinVar aggregate classification (germline): Uncertain significance (1 of 4 stars; one submission).

Conditions:
Inborn genetic diseases. Identifiers: MedGen C0950123, MeSH D030342.

gnomAD v4.1: 44 of 1,521,476 alleles (0.0029%); highest among the groups gnomAD compares: Non-Finnish European, 0.0035%; no homozygotes.

Submission:

Ambry Genetics
Classification: Uncertain significance for Inborn genetic diseases. Last evaluated: 2025-09-27. Review status: criteria provided, single submitter. Criteria: Ambry Variant Classification Scheme 2023. Collection method: clinical testing. Allele origin: germline.
Comment: The c.1117A>G (p.M373V) alteration is located in exon 6 (coding exon 6) of the SF3B4 gene. This alteration results from a A to G substitution at nucleotide position 1117, causing the methionine (M) at amino acid position 373 to be replaced by a valine (V). Based on data from gnomAD, the G allele has an overall frequency of 0.001% (1/163514) total alleles studied. The highest observed frequency was 0.001% (1/82486) of European (non-Finnish) alleles. Based on insufficient or conflicting evidence, the clinical significance of this alteration remains unclear.

NM_005850.5(SF3B4):c.1117A>G (p.Met373Val)

Gene: SF3B4 (splicing factor 3b subunit 4; minus strand). Cytogenetic location: 1q21.2.
Variant type: single nucleotide variant.
Coding change: c.1117A>G on transcript NM_005850.5 (MANE Select); coding-DNA position 1117, A replaced by G.
Protein change: p.Met373Val; replaces methionine 373 with valine.
Molecular consequence: missense variant.
Genome position (GRCh38, 1-based): chr1:149,923,700, T>C on the plus strand (A>G on the coding strand, the complement: SF3B4 is on the minus strand). VCF-style: chr1-149923700-T-C. GRCh37 (hg19) VCF-style: chr1-149895592-T-C.
Other names: short protein forms M373V.
Identifiers: ClinVar variation 4630655 (VCV004630655.1).
Genomic context (GRCh38, chr1:149,923,700, plus strand): 5'-GTGGGGGTCGTGGAGGGCCAGTGTATCCATGGGGGGGCATCAGTGGAGGAGGTCCACGCA[T>C]ACCATGCGGAGGCATAGGACCTGGGTGACCTGCAAAGAGTAAAAGAAAAGTTAGTAAGGG-3'
Protein context (NP_005841.1, residues 363-383): GHPGPMPPHG[Met373Val]RGPPPLMPPH